The following is an entry in ClinVar:

NM_018838.5(NDUFA12):c.257+8A>G

Gene: NDUFA12 (NADH:ubiquinone oxidoreductase subunit A12; minus strand). Cytogenetic location: 12q22.
Variant type: single nucleotide variant.
Coding change: c.257+8A>G on transcript NM_018838.5 (MANE Select); 8 bases into the intron after coding-DNA position 257, A replaced by G.
Molecular consequence: intron variant.
Genome position (GRCh38, 1-based): chr12:94,994,162, T>C on the plus strand (A>G on the coding strand, the complement: NDUFA12 is on the minus strand). VCF-style: chr12-94994162-T-C. GRCh37 (hg19) VCF-style: chr12-95387938-T-C.
Other names: c.169+8577A>G (NM_001258338.2).
Identifiers: ClinVar variation 382094 (VCV000382094.23), dbSNP rs141728558, ClinGen allele CA6722567.

ClinVar aggregate classification (germline): Likely benign. Review status: criteria provided, multiple submitters, no conflicts (2 of 4 stars). 3 submissions from 3 submitters: Likely benign (3). Last evaluated 2025-07-23.

Allele frequency attached by ClinVar (database versions not stated): TOPMed 0.00017; 1000 Genomes Project 0.00020; gnomAD exomes 0.00023 and 0.00014; 1000 Genomes Project 30x 0.00031; ESP Exome Variant Server 0.00008; ExAC 0.00012; gnomAD 0.00014 and 0.00016.
gnomAD v4.1: 375 of 1,612,840 alleles (0.023%); highest among the groups gnomAD compares: Non-Finnish European, 0.029%; no homozygotes.

Submissions (3):

Labcorp Genetics (formerly Invitae), Labcorp
Classification: Likely benign. Last evaluated: 2025-07-23. Review status: criteria provided, single submitter. Criteria: Invitae Variant Classification Sherloc (09022015). Collection method: clinical testing. Allele origin: germline.

CeGaT Center for Human Genetics Tuebingen
Classification: Likely benign. Last evaluated: 2025-02-01. Review status: criteria provided, single submitter. Criteria: CeGaT Center For Human Genetics Tuebingen Variant Classification Criteria Version 2. Collection method: clinical testing. Allele origin: germline. Affected: yes. Observed: 1 variant allele.
Comment: NDUFA12: BP4

GeneDx
Classification: Likely benign. Last evaluated: 2017-03-28. Review status: criteria provided, single submitter. Criteria: GeneDx Variant Classification (06012015). Collection method: clinical testing. Allele origin: germline. Affected: yes.
Comment: This variant is considered likely benign or benign based on one or more of the following criteria: it is a conservative change, it occurs at a poorly conserved position in the protein, it is predicted to be benign by multiple in silico algorithms, and/or has population frequency not consistent with disease.